The following is an entry in ClinVar:

ClinVar aggregate classification (germline): Pathogenic (1 of 4 stars; one submission).

Conditions:
Hereditary breast ovarian cancer syndrome. Also called: Hereditary breast and ovarian cancer syndrome (HBOC); Hereditary breast and/or ovarian cancer syndrome; Hereditary breast and ovarian cancer syndrome; Breast and ovarian cancer; BRCA1- and BRCA2-Associated Hereditary Breast and Ovarian Cancer; Hereditary breast and ovarian cancer. Identifiers: Orphanet 145, MedGen C0677776, MeSH D061325, MONDO:0003582. Disease mechanism: loss of function.

Submission:

Labcorp Genetics (formerly Invitae), Labcorp
Classification: Pathogenic for Hereditary breast and ovarian cancer syndrome. Last evaluated: 2019-05-28. Review status: criteria provided, single submitter. Criteria: Invitae Variant Classification Sherloc (09022015). Collection method: clinical testing. Allele origin: germline.
Comment: This sequence change inserts a large fragment of DNA, likely a transposable element, in exon 11 of the BRCA2 gene (c.3083_3084insAlu), causing a frameshift at codon 1028 (p.Lys1028fs). The exact size and sequence of the insertion cannot be determined by the current assay. However, the insertion is expected to result in an absent or disrupted protein product. This variant has not been reported in the literature in individuals with BRCA2-related conditions. Retrotransposon insertions including LINE1 (L1), Alu, and SVA (SINE-VNTR-Alu) have been reported to be disease-causing through disruption of either a coding region or splice site (PMID: 19763152, 20307669, 22406018) and loss-of-function variants in BRCA2 are known to be pathogenic (PMID: 20104584). For these reasons, this variant has been classified as Pathogenic.

Literature cited by the submitters: PubMed 19763152; PubMed 20104584; PubMed 20307669; PubMed 22406018.

NM_000059.3:c.3083_3084insAlu

Gene: BRCA2 (BRCA2 DNA repair associated; plus strand). Cytogenetic location: 13q13.1.
Variant type: Insertion.
Identifiers: ClinVar variation 870270 (VCV000870270.1).